The following is an entry in ClinVar:

NM_004068.4(AP2M1):c.1073T>C (p.Met358Thr)

Gene: AP2M1 (adaptor related protein complex 2 subunit mu 1; plus strand). Cytogenetic location: 3q27.1.
Variant type: single nucleotide variant.
Coding change: c.1073T>C on transcript NM_004068.4 (MANE Select); coding-DNA position 1073, T replaced by C.
Protein change: p.Met358Thr; replaces methionine 358 with threonine.
Molecular consequence: missense variant.
Genome position (GRCh38, 1-based): chr3:184,182,768, T>C. VCF-style: chr3-184182768-T-C. GRCh37 (hg19) VCF-style: chr3-183900556-T-C.
Other names: c.1067T>C, p.Met356Thr (NM_001025205.2); c.1148T>C, p.Met383Thr (NM_001311198.2); short protein forms M358T, M356T, M383T.
Identifiers: ClinVar variation 4721452 (VCV004721452.1).

ClinVar aggregate classification (germline): Uncertain significance (1 of 4 stars; one submission).

Submission:

Labcorp Genetics (formerly Invitae), Labcorp
Classification: Uncertain significance. Last evaluated: 2025-06-15. Review status: criteria provided, single submitter. Criteria: Invitae Variant Classification Sherloc (09022015). Collection method: clinical testing. Allele origin: germline.
Comment: This sequence change replaces methionine, which is neutral and non-polar, with threonine, which is neutral and polar, at codon 358 of the AP2M1 protein (p.Met358Thr). This variant is not present in population databases (gnomAD no frequency). This variant has not been reported in the literature in individuals affected with AP2M1-related conditions. An algorithm developed to predict the effect of missense changes on protein structure and function (PolyPhen-2) suggests that this variant is likely to be tolerated. In summary, the available evidence is currently insufficient to determine the role of this variant in disease. Therefore, it has been classified as a Variant of Uncertain Significance.